The following is an entry in ClinVar:

NM_000363.5(TNNI3):c.307C>G (p.Arg103Gly)

Gene: TNNI3 (troponin I3, cardiac type; minus strand). Cytogenetic location: 19q13.42.
Variant type: single nucleotide variant.
Coding change: c.307C>G on transcript NM_000363.5 (MANE Select); coding-DNA position 307, C replaced by G.
Protein change: p.Arg103Gly; replaces arginine 103 with glycine.
Molecular consequence: missense variant.
Genome position (GRCh38, 1-based): chr19:55,154,806, G>C on the plus strand (C>G on the coding strand, the complement: TNNI3 is on the minus strand). VCF-style: chr19-55154806-G-C. GRCh37 (hg19) VCF-style: chr19-55666174-G-C.
Other names: c.307C>G (LRG_432t1); short protein forms R103G.
Identifiers: ClinVar variation 216424 (VCV000216424.8), dbSNP rs397516344, ClinGen allele CA338104.

ClinVar aggregate classification (germline): Uncertain significance. Review status: criteria provided, multiple submitters, no conflicts (2 of 4 stars). 2 submissions from 2 submitters: Uncertain significance (2). Last evaluated 2024-03-05.

Conditions:
Hypertrophic cardiomyopathy. Also called: HYPERTROPHIC MYOCARDIOPATHY. Identifiers: Orphanet 217569, MedGen C0007194, MeSH D002312, MONDO:0005045, HP:0001639.

gnomAD v4.1: 1 of 1,614,158 alleles (0.000062%); highest among the groups gnomAD compares: African/African-American, 0.0013%; no homozygotes.

Submissions (2):

All of Us Research Program, National Institutes of Health
Classification: Uncertain significance for Hypertrophic cardiomyopathy. Last evaluated: 2024-03-05. Review status: criteria provided, single submitter. Criteria: ACMG Guidelines, 2015. Collection method: clinical testing. Allele origin: germline. Inheritance: Autosomal dominant inheritance. Observed: 1 variant allele, 1 heterozygote.
Comment: This study involves interpretation of variants in research participants for the purpose of population health screening. Participant phenotype was not available at the time of variant classification. Additional details can be found in publication PMID: 35346344, PMCID: PMC8962531

Labcorp Genetics (formerly Invitae), Labcorp
Classification: Uncertain significance for Hypertrophic cardiomyopathy. Last evaluated: 2015-03-15. Review status: criteria provided, single submitter. Criteria: Invitae Variant Classification Sherloc (09022015). Collection method: clinical testing. Allele origin: germline.
Comment: This sequence change replaces arginine with glycine at codon 103 of the TNNI3 protein (p.Arg103Gly). The arginine residue is highly conserved and there is a moderate physicochemical difference between arginine and glycine. This variant has not been published in the literature and is not present in population databases. A computational algorithm designed to assess the pathogenicity of variants in TNNI3 with regard to hypertrophic cardiomyopathy predicted this sequence change to be deleterious. The algorithm has a sensitivity of 94% and a specificity of 89% (PMID: 21310275) In summary, this is a rare missense change with uncertain impact on protein function. It has been classified as a Variant of Uncertain Significance.

Literature cited by the submitters: PubMed 21310275 (cited by Labcorp Genetics (formerly Invitae), Labcorp).